The following is an entry in ClinVar:

ClinVar aggregate classification (germline): Uncertain significance (1 of 4 stars; one submission).

Submission:

GeneDx
Classification: Uncertain significance. Last evaluated: 2022-08-24. Review status: criteria provided, single submitter. Criteria: GeneDx Variant Classification Process June 2021. Collection method: clinical testing. Allele origin: germline. Affected: yes.
Comment: Not observed in large population cohorts (gnomAD); In silico analysis supports that this missense variant does not alter protein structure/function; Has not been previously published as pathogenic or benign to our knowledge

NM_005765.3(ATP6AP2):c.385C>G (p.Pro129Ala)

Gene: ATP6AP2 (ATPase H+ transporting accessory protein 2; plus strand). Cytogenetic location: Xp11.4.
Variant type: single nucleotide variant.
Coding change: c.385C>G on transcript NM_005765.3 (MANE Select); coding-DNA position 385, C replaced by G.
Protein change: p.Pro129Ala; replaces proline 129 with alanine.
Molecular consequence: missense variant.
Genome position (GRCh38, 1-based): chrX:40,597,333, C>G. VCF-style: chrX-40597333-C-G. GRCh37 (hg19) VCF-style: chrX-40456585-C-G.
Other names: short protein forms P129A.
Identifiers: ClinVar variation 1310870 (VCV001310870.3), dbSNP rs142175071, ClinGen allele CA412755456.